The following is an entry in ClinVar:

ClinVar aggregate classification (germline): Pathogenic (1 of 4 stars; one submission).

Conditions:
Primary ciliary dyskinesia. Also called: Ciliary dyskinesia. Identifiers: Orphanet 244, MedGen C0008780, MONDO:0016575, HP:0012265.

Submission:

Labcorp Genetics (formerly Invitae), Labcorp
Classification: Pathogenic for Primary ciliary dyskinesia. Last evaluated: 2024-02-25. Review status: criteria provided, single submitter. Criteria: Invitae Variant Classification Sherloc (09022015). Collection method: clinical testing. Allele origin: germline.
Comment: This sequence change creates a premature translational stop signal (p.Phe4486Leufs*7) in the DNAH5 gene. It is expected to result in an absent or disrupted protein product. Loss-of-function variants in DNAH5 are known to be pathogenic (PMID: 11788826, 16627867). This variant is not present in population databases (gnomAD no frequency). This variant has not been reported in the literature in individuals affected with DNAH5-related conditions. For these reasons, this variant has been classified as Pathogenic.

Literature cited by the submitters: PubMed 11788826; PubMed 16627867.

NM_001369.3(DNAH5):c.13458del (p.Phe4486fs)

Gene: DNAH5 (dynein axonemal heavy chain 5; minus strand). Cytogenetic location: 5p15.2.
Variant type: Deletion.
Coding change: c.13458del on transcript NM_001369.3 (MANE Select); coding-DNA position 13458, one base deleted (T; older notation c.13458delT).
Protein change: p.Phe4486fs; shifts the reading frame from phenylalanine 4486.
Molecular consequence: frameshift variant.
Genome position (GRCh38, 1-based): chr5:13,701,317, A deleted on the plus strand (T on the coding strand, the reverse complement: DNAH5 is on the minus strand); the first of 7 consecutive A bases (chr5:13,701,317-13,701,323); deleting any one gives the same sequence. VCF-style (leftmost placement, unchanged base first): chr5-13701316-TA-T. GRCh37 (hg19) VCF-style: chr5-13701425-TA-T.
Other names: short protein forms F4486fs.
Identifiers: ClinVar variation 2734701 (VCV002734701.3), dbSNP rs775696136, ClinGen allele CA443250539.